The following is an entry in ClinVar:

ClinVar aggregate classification (germline): Conflicting classifications of pathogenicity. Review status: criteria provided, conflicting classifications (1 of 4 stars). 5 submissions from 5 submitters: Uncertain significance (1); Likely benign (2). 2 of the submissions do not count toward it. Last evaluated 2026-01-27.

Conditions:
FAH-related disorder. Also called: FAH-related condition.
Tyrosinemia type I (TYRSN1). Also called: Tyrosinemia type 1; Fumarylacetoacetase deficiency; HEPATORENAL TYROSINEMIA; Deficiency of fumarylacetoacetase; FAH DEFICIENCY. Identifiers: Orphanet 882, MedGen C0268490, MONDO:0010161, OMIM 276700. Disease mechanism: loss of function.

Allele frequency attached by ClinVar (database versions not stated): TOPMed 0.00014; ESP Exome Variant Server 0.00015; gnomAD 0.00015 and 0.00016.
gnomAD v4.1: 170 of 1,614,112 alleles (0.011%); highest among the groups gnomAD compares: Non-Finnish European, 0.013%; no homozygotes.

Submissions (5):

Labcorp Genetics (formerly Invitae), Labcorp
Classification: Likely benign for Tyrosinemia type I. Last evaluated: 2026-01-27. Review status: criteria provided, single submitter. Criteria: Invitae Variant Classification Sherloc (09022015). Collection method: clinical testing. Allele origin: germline.

Blueprint Genetics
Classification: Likely benign. Last evaluated: 2024-09-25. Review status: criteria provided, single submitter. Criteria: ACMG Guidelines, 2015. Collection method: clinical testing. Allele origin: germline.

Illumina Laboratory Services, Illumina
Classification: Uncertain significance for Tyrosinemia type I. Last evaluated: 2018-01-12. Review status: criteria provided, single submitter. Criteria: ICSL Variant Classification Criteria 13 December 2019. Collection method: clinical testing. Allele origin: germline.

PreventionGenetics, part of Exact Sciences
Classification: Likely benign for FAH-related condition. Last evaluated: 2022-10-05. Review status: no assertion criteria provided. Collection method: clinical testing. Allele origin: germline. Not counted in ClinVar's aggregate classification.
Comment: This variant is classified as likely benign based on ACMG/AMP sequence variant interpretation guidelines (Richards et al. 2015 PMID: 25741868, with internal and published modifications).

Natera, Inc.
Classification: Likely benign for Tyrosinemia type I. Last evaluated: 2020-09-16. Review status: no assertion criteria provided. Collection method: clinical testing. Allele origin: germline. Not counted in ClinVar's aggregate classification.

NM_000137.4(FAH):c.741C>T (p.Leu247=)

Gene: FAH (fumarylacetoacetate hydrolase; plus strand). Cytogenetic location: 15q25.1.
Variant type: single nucleotide variant.
Coding change: c.741C>T on transcript NM_000137.4 (MANE Select); coding-DNA position 741, C replaced by T.
Protein change: p.Leu247=; no amino-acid change (leucine 247 retained).
Molecular consequence: synonymous variant.
Genome position (GRCh38, 1-based): chr15:80,173,048, C>T. VCF-style: chr15-80173048-C-T. GRCh37 (hg19) VCF-style: chr15-80465390-C-T.
Other names: c.741C>T, p.Leu247= (NM_001374377.1, NM_001374380.1).
Identifiers: ClinVar variation 703007 (VCV000703007.21), dbSNP rs145851627, ClinGen allele CA7691327.
Genomic context (GRCh38, chr15:80,173,048, plus strand): 5'-GTCCTGGCTGTGCCCTTCTTCTGCAGCACGAGACATTCAGAAGTGGGAGTATGTCCCTCT[C>T]GGGCCATTCCTTGGGAAGAGTTTTGGGACCACTGTCTCTCCGTGGGTGGTGCCCATGGAT-3'
Protein context (NP_000128.1, residues 237-257): RDIQKWEYVP[Leu247=]GPFLGKSFGT